The following is an entry in ClinVar:

NM_005475.3(SH2B3):c.541A>C (p.Lys181Gln)

Gene: SH2B3 (SH2B adaptor protein 3; plus strand). Cytogenetic location: 12q24.12.
Variant type: single nucleotide variant.
Coding change: c.541A>C on transcript NM_005475.3 (MANE Select); coding-DNA position 541, A replaced by C.
Protein change: p.Lys181Gln; replaces lysine 181 with glutamine.
Molecular consequence: missense variant.
Genome position (GRCh38, 1-based): chr12:111,418,686, A>C. VCF-style: chr12-111418686-A-C. GRCh37 (hg19) VCF-style: chr12-111856490-A-C.
Other names: short protein forms K181Q.
Identifiers: ClinVar variation 4842823 (VCV004842823.1).

ClinVar aggregate classification (germline): Uncertain significance (1 of 4 stars; one submission).

Conditions:
Inborn genetic diseases. Identifiers: MedGen C0950123, MeSH D030342.

gnomAD v4.1: 1 of 1,490,062 alleles (0.000067%); highest among the groups gnomAD compares: South Asian, 0.0012%; no homozygotes.

Submission:

Ambry Genetics
Classification: Uncertain significance for Inborn genetic diseases. Last evaluated: 2026-01-04. Review status: criteria provided, single submitter. Criteria: Ambry Variant Classification Scheme 2023. Collection method: clinical testing. Allele origin: germline.
Comment: The p.K181Q variant (also known as c.541A>C), located in coding exon 1 of the SH2B3 gene, results from an A to C substitution at nucleotide position 541. The lysine at codon 181 is replaced by glutamine, an amino acid with similar properties. This amino acid position is conserved. In addition, this alteration is predicted to be tolerated by in silico analysis. Based on the available evidence, the clinical significance of this variant remains unclear.